The following is an entry in ClinVar:

ClinVar aggregate classification (germline): Uncertain significance. Review status: criteria provided, multiple submitters, no conflicts (2 of 4 stars). 2 submissions from 2 submitters: Uncertain significance (2). Last evaluated 2025-08-16.

Conditions:
Inborn genetic diseases. Identifiers: MedGen C0950123, MeSH D030342.

gnomAD v4.1: 22 of 1,612,848 alleles (0.0014%); highest among the groups gnomAD compares: Admixed American, 0.0033%; no homozygotes.

Submissions (2):

GeneDx
Classification: Uncertain significance. Last evaluated: 2025-08-16. Review status: criteria provided, single submitter. Criteria: GeneDx Variant Classification Process June 2021. Collection method: clinical testing. Allele origin: germline. Affected: yes.
Comment: Not observed at significant frequency in large population cohorts (gnomAD); In silico analysis supports that this missense variant has a deleterious effect on protein structure/function; Has not been previously published as pathogenic or benign to our knowledge

Ambry Genetics
Classification: Uncertain significance for Inborn genetic diseases. Last evaluated: 2024-08-14. Review status: criteria provided, single submitter. Criteria: Ambry Variant Classification Scheme 2023. Collection method: clinical testing. Allele origin: germline.

NM_001164508.2(NEB):c.11233C>T (p.Arg3745Cys)

Gene: NEB (nebulin; minus strand). Cytogenetic location: 2q23.3.
Variant type: single nucleotide variant.
Coding change: c.11233C>T on transcript NM_001164508.2 (MANE Select); coding-DNA position 11233, C replaced by T.
Protein change: p.Arg3745Cys; replaces arginine 3745 with cysteine.
Molecular consequence: missense variant.
Genome position (GRCh38, 1-based): chr2:151,616,058, G>A on the plus strand (C>T on the coding strand, the complement: NEB is on the minus strand). VCF-style: chr2-151616058-G-A. GRCh37 (hg19) VCF-style: chr2-152472572-G-A.
Other names: c.11233C>T, p.Arg3745Cys (NM_001164507.2, NM_001271208.2); c.10504C>T, p.Arg3502Cys (NM_004543.5); short protein forms R3745C, R3502C.
Identifiers: ClinVar variation 3403956 (VCV003403956.2).